The following is an entry in ClinVar:

ClinVar aggregate classification (germline): Uncertain significance (1 of 4 stars; one submission).

Conditions:
Catecholaminergic polymorphic ventricular tachycardia 1. Also called: VENTRICULAR TACHYCARDIA, STRESS-INDUCED POLYMORPHIC 1; VENTRICULAR TACHYCARDIA, CATECHOLAMINERGIC POLYMORPHIC, 1, WITH OR WITHOUT ATRIAL DYSFUNCTION AND/OR DILATED CARDIOMYOPATHY; RYR2-Related Catecholaminergic Polymorphic Ventricular Tachycardia. Identifiers: Orphanet 3286, MedGen C1631597, MONDO:0011484, OMIM 604772.

Allele frequency attached by ClinVar (database versions not stated): gnomAD exomes 0.00001.
gnomAD v4.1: 7 of 1,539,234 alleles (0.00045%); highest among the groups gnomAD compares: Non-Finnish European, 0.00052%; no homozygotes.

Submission:

Labcorp Genetics (formerly Invitae), Labcorp
Classification: Uncertain significance for Catecholaminergic polymorphic ventricular tachycardia 1. Last evaluated: 2022-07-31. Review status: criteria provided, single submitter. Criteria: Invitae Variant Classification Sherloc (09022015). Collection method: clinical testing. Allele origin: germline.
Comment: This sequence change affects codon 564 of the TRDN mRNA. It is a 'silent' change, meaning that it does not change the encoded amino acid sequence of the TRDN protein. This variant is present in population databases (rs747107207, gnomAD 0.008%). This variant has not been reported in the literature in individuals affected with TRDN-related conditions. Algorithms developed to predict the effect of sequence changes on RNA splicing suggest that this variant may create or strengthen a splice site. In summary, the available evidence is currently insufficient to determine the role of this variant in disease. Therefore, it has been classified as a Variant of Uncertain Significance.

NM_006073.4(TRDN):c.1692G>A (p.Gln564=)

Gene: TRDN (triadin; minus strand). Cytogenetic location: 6q22.31.
Variant type: single nucleotide variant.
Coding change: c.1692G>A on transcript NM_006073.4 (MANE Select); coding-DNA position 1692, G replaced by A.
Protein change: p.Gln564=; no amino-acid change (glutamine 564 retained).
Molecular consequence: synonymous variant.
Genome position (GRCh38, 1-based): chr6:123,271,167, C>T on the plus strand (G>A on the coding strand, the complement: TRDN is on the minus strand). VCF-style: chr6-123271167-C-T. GRCh37 (hg19) VCF-style: chr6-123592312-C-T.
Identifiers: ClinVar variation 2199056 (VCV002199056.1), dbSNP rs747107207, ClinGen allele CA3983804.